The following is an entry in ClinVar:

ClinVar aggregate classification (germline): Benign. Review status: criteria provided, single submitter (1 of 4 stars). 2 submissions from 2 submitters: Benign (1). 1 of the submissions does not count toward it. Last evaluated 2019-12-31.

Conditions:
ITPR3-related disorder. Also called: ITPR3-related condition.

Allele frequency attached by ClinVar (database versions not stated): gnomAD exomes 0.00321; ExAC 0.00364; gnomAD 0.01082 and 0.01141; ESP Exome Variant Server 0.01176; TOPMed 0.01210; 1000 Genomes Project 0.01478; 1000 Genomes Project 30x 0.01608.
gnomAD v4.1: 3,521 of 1,613,842 alleles (0.22%); highest among the groups gnomAD compares: African/African-American, 3.7%; 53 homozygotes.

Submissions (2):

Labcorp Genetics (formerly Invitae), Labcorp
Classification: Benign. Last evaluated: 2019-12-31. Review status: criteria provided, single submitter. Criteria: Invitae Variant Classification Sherloc (09022015). Collection method: clinical testing. Allele origin: germline.

PreventionGenetics, part of Exact Sciences
Classification: Benign for ITPR3-related condition. Last evaluated: 2019-02-21. Review status: no assertion criteria provided. Collection method: clinical testing. Allele origin: germline. Not counted in ClinVar's aggregate classification.
Comment: This variant is classified as benign based on ACMG/AMP sequence variant interpretation guidelines (Richards et al. 2015 PMID: 25741868, with internal and published modifications).

NM_002224.4(ITPR3):c.5874C>T (p.Cys1958=)

Gene: ITPR3 (inositol 1,4,5-trisphosphate receptor type 3; plus strand). Cytogenetic location: 6p21.31.
Variant type: single nucleotide variant.
Coding change: c.5874C>T on transcript NM_002224.4 (MANE Select); coding-DNA position 5874, C replaced by T.
Protein change: p.Cys1958=; no amino-acid change (cysteine 1958 retained).
Molecular consequence: synonymous variant.
Genome position (GRCh38, 1-based): chr6:33,686,414, C>T. VCF-style: chr6-33686414-C-T. GRCh37 (hg19) VCF-style: chr6-33654191-C-T.
Identifiers: ClinVar variation 780985 (VCV000780985.6), dbSNP rs73408284, ClinGen allele CA3761701.